The following is an entry in ClinVar:

NM_001080779.2(MYO1C):c.336G>C (p.Val112=)

Gene: MYO1C (myosin IC; minus strand). Cytogenetic location: 17p13.3.
Variant type: single nucleotide variant.
Coding change: c.336G>C on transcript NM_001080779.2 (MANE Select); coding-DNA position 336, G replaced by C.
Protein change: p.Val112=; no amino-acid change (valine 112 retained).
Molecular consequence: synonymous variant.
Genome position (GRCh38, 1-based): chr17:1,483,621, C>G on the plus strand (G>C on the coding strand, the complement: MYO1C is on the minus strand). VCF-style: chr17-1483621-C-G. GRCh37 (hg19) VCF-style: chr17-1386915-C-G.
Other names: c.279G>C, p.Val93= (NM_001080950.2); c.264G>C, p.Val88= (NM_001363855.1); c.231G>C, p.Val77= (NM_033375.5).
Identifiers: ClinVar variation 513926 (VCV000513926.5), dbSNP rs61756682, ClinGen allele CA8268091.

ClinVar aggregate classification (germline): Benign/Likely benign. Review status: criteria provided, multiple submitters, no conflicts (2 of 4 stars). 3 submissions from 3 submitters: Benign (1); Likely benign (2). Last evaluated 2018-05-15.

Allele frequency attached by ClinVar (database versions not stated): ESP Exome Variant Server 0.00261; 1000 Genomes Project 0.00319; TOPMed 0.00329; gnomAD 0.00335; 1000 Genomes Project 30x 0.00344.
gnomAD v4.1: 1,038 of 1,609,234 alleles (0.065%); highest among the groups gnomAD compares: African/African-American, 1.1%; 7 homozygotes.

Submissions (3):

Labcorp Genetics (formerly Invitae), Labcorp
Classification: Benign. Last evaluated: 2018-05-15. Review status: criteria provided, single submitter. Criteria: Invitae Variant Classification Sherloc (09022015). Collection method: clinical testing. Allele origin: germline.

GeneDx
Classification: Likely benign. Last evaluated: 2017-12-26. Review status: criteria provided, single submitter. Criteria: GeneDx Variant Classification (06012015). Collection method: clinical testing. Allele origin: germline. Affected: yes.
Comment: This variant is considered likely benign or benign based on one or more of the following criteria: it is a conservative change, it occurs at a poorly conserved position in the protein, it is predicted to be benign by multiple in silico algorithms, and/or has population frequency not consistent with disease.

Breakthrough Genomics
Classification: Likely benign. Review status: criteria provided, single submitter. Criteria: ACMG Guidelines, 2015. Collection method: not provided. Allele origin: germline. Inheritance: Unknown mechanism. Affected: yes.